The following is an entry in ClinVar:

NM_003060.4(SLC22A5):c.447dup (p.Phe150fs)

Gene: SLC22A5 (solute carrier family 22 member 5; plus strand). Cytogenetic location: 5q31.1.
Variant type: Duplication.
Coding change: c.447dup on transcript NM_003060.4 (MANE Select); coding-DNA position 447, one base duplicated (C; older notation c.447dupC).
Protein change: p.Phe150fs; shifts the reading frame from phenylalanine 150.
Molecular consequence: frameshift variant.
Genome position (GRCh38, 1-based): chr5:132,378,431, C duplicated. VCF-style (leftmost placement, unchanged base first): chr5-132378430-T-TC. GRCh37 (hg19) VCF-style: chr5-131714122-T-TC.
Other names: c.519dup, p.Phe174fs (NM_001308122.2); short protein forms F150fs, F174fs.
Identifiers: ClinVar variation 2752235 (VCV002752235.3), dbSNP rs2532106632, ClinGen allele CA2697546468.

ClinVar aggregate classification (germline): Pathogenic (1 of 4 stars; one submission).

Conditions:
Renal carnitine transport defect (CDSP). Also called: Primary carnitine deficiency; Systemic primary carnitine deficiency; CARNITINE DEFICIENCY, SYSTEMIC, DUE TO DEFECT IN RENAL REABSORPTION OF CARNITINE; CARNITINE TRANSPORTER, PLASMA-MEMBRANE, DEFICIENCY OF; CARNITINE UPTAKE DEFECT; Carnitine transporter deficiency. Identifiers: Orphanet 158, MedGen C0342788, MONDO:0008919, OMIM 212140.

Submission:

Labcorp Genetics (formerly Invitae), Labcorp
Classification: Pathogenic for Renal carnitine transport defect. Last evaluated: 2023-08-11. Review status: criteria provided, single submitter. Criteria: Invitae Variant Classification Sherloc (09022015). Collection method: clinical testing. Allele origin: germline.
Comment: This sequence change creates a premature translational stop signal (p.Phe150Leufs*45) in the SLC22A5 gene. It is expected to result in an absent or disrupted protein product. Loss-of-function variants in SLC22A5 are known to be pathogenic (PMID: 9916797). This variant is not present in population databases (gnomAD no frequency). This variant has not been reported in the literature in individuals affected with SLC22A5-related conditions. Algorithms developed to predict the effect of sequence changes on RNA splicing suggest that this variant may disrupt the consensus splice site. For these reasons, this variant has been classified as Pathogenic.

Literature cited by the submitters: PubMed 9916797.